The following is an entry in ClinVar:

NM_206933.4(USH2A):c.11927C>T (p.Thr3976Met)

Gene: USH2A (usherin; minus strand). Cytogenetic location: 1q41.
Variant type: single nucleotide variant.
Coding change: c.11927C>T on transcript NM_206933.4 (MANE Select); coding-DNA position 11927, C replaced by T.
Protein change: p.Thr3976Met; replaces threonine 3976 with methionine.
Molecular consequence: missense variant.
Genome position (GRCh38, 1-based): chr1:215,728,169, G>A on the plus strand (C>T on the coding strand, the complement: USH2A is on the minus strand). VCF-style: chr1-215728169-G-A. GRCh37 (hg19) VCF-style: chr1-215901511-G-A.
Other names: short protein forms T3976M.
Identifiers: ClinVar variation 48385 (VCV000048385.74), dbSNP rs142381713, ClinGen allele CA143275.
Genomic context (GRCh38, chr1:215,728,169, plus strand): 5'-GAGATAATGCCATTGGGAGATTCTGGCTTTGTCCAATTCAACAGAACTGAATGAGCACTC[G>A]TGGCTTGAGCCCAAGGAGCTGGAAAATCTTGAGGTGGAGCTTCCAGAGTTTGTGTTAATG-3'
Protein context (NP_996816.3, residues 3966-3986): QDFPAPWAQA[Thr3976Met]SAHSVLLNWT

ClinVar aggregate classification (germline): Conflicting classifications of pathogenicity. Review status: criteria provided, conflicting classifications (1 of 4 stars). 15 submissions from 14 submitters: Uncertain significance (9); Benign (1); Likely benign (3). 2 of the submissions do not count toward it. Last evaluated 2026-08-11.

Conditions:
USH2A-related disorder. Also called: USH2A-related disorders; USH2A-related condition. Identifiers: MedGen CN239332.
Retinal dystrophy. Also called: Inherited retinal dystrophy. Identifiers: Orphanet 71862, MedGen C0854723, MeSH D058499, MONDO:0019118, HP:0000556.
Usher syndrome type 2A. Also called: USHER SYNDROME, TYPE IIA; RETINAL DISEASE IN USHER SYNDROME TYPE IIA, MODIFIER OF. Identifiers: Orphanet 231178, Orphanet 886, MedGen C1848634, MONDO:0010169, OMIM 276901.
Retinitis pigmentosa 39 (RP39). Identifiers: Orphanet 791, MedGen C3151138, MONDO:0013436, OMIM 613809.

Allele frequency attached by ClinVar (database versions not stated): gnomAD 0.00049 and 0.00050; ExAC 0.00052; gnomAD exomes 0.00059 and 0.00093; ESP Exome Variant Server 0.00100; TOPMed 0.00068.
gnomAD v4.1: 1,425 of 1,614,150 alleles (0.088%); highest among the groups gnomAD compares: Non-Finnish European, 0.11%; no homozygotes.

Submissions (15):

PreventionGenetics, part of Exact Sciences
Classification: Uncertain significance for USH2A-related condition. Last evaluated: 2026-08-11. Review status: criteria provided, single submitter. Criteria: ACMG Guidelines, 2015. Collection method: clinical testing. Allele origin: germline.
Comment: The USH2A c.11927C>T variant is predicted to result in the amino acid substitution p.Thr3976Met. This variant has been reported in individuals with Usher syndrome 2 or non-syndromic retinitis pigmentosa (see for example: Baux et al. 2007. PubMed ID: 17405132; Lee et al. 2015. PubMed ID: 25910913; Riera et al. 2017. PubMed ID: 28181551). It has been reported as a complex allele (in cis) with other variants (including c.3118+3A>T in Baux et al. 2007. PubMed ID: 17405132; c.10073G>A in Supplementary table 4, Panneman et al. 2023. PubMed ID: 36819107) or detected with multiple other USH2A variants (Table S4, Colombo et al. 2021. PubMed ID: 33576794). This variant is reported in 0.10% of alleles in individuals of European (Non-Finnish) descent in gnomAD. At this time, the clinical significance of this variant is uncertain due to the absence of conclusive functional and genetic evidence.

CeGaT Center for Human Genetics Tuebingen
Classification: Uncertain significance. Last evaluated: 2025-03-01. Review status: criteria provided, single submitter. Criteria: CeGaT Center For Human Genetics Tuebingen Variant Classification Criteria Version 2. Collection method: clinical testing. Allele origin: germline. Affected: yes. Observed: 3 variant alleles.
Comment: USH2A: PM2, BP4

Blueprint Genetics
Classification: Likely benign. Last evaluated: 2024-11-21. Review status: criteria provided, single submitter. Criteria: ACMG Guidelines, 2015. Collection method: clinical testing. Allele origin: germline.

Mayo Clinic Laboratories, Mayo Clinic
Classification: Uncertain significance. Last evaluated: 2024-08-14. Review status: criteria provided, single submitter. Criteria: ACMG Guidelines, 2015. Collection method: clinical testing. Allele origin: germline. Observed: 1 variant allele.
Comment: BS1_supporting, PM3_supporting

Institute of Human Genetics, Univ. Regensburg, Univ. Regensburg
Classification: Uncertain significance for Retinal dystrophy. Last evaluated: 2023-01-01. Review status: criteria provided, single submitter. Criteria: ACMG Guidelines, 2015. Collection method: clinical testing. Allele origin: germline. Affected: yes.

Labcorp Genetics (formerly Invitae), Labcorp
Classification: Uncertain significance. Last evaluated: 2022-10-24. Review status: criteria provided, single submitter. Criteria: Invitae Variant Classification Sherloc (09022015). Collection method: clinical testing. Allele origin: germline.
Comment: This sequence change replaces threonine, which is neutral and polar, with methionine, which is neutral and non-polar, at codon 3976 of the USH2A protein (p.Thr3976Met). This variant is present in population databases (rs142381713, gnomAD 0.1%), and has an allele count higher than expected for a pathogenic variant. This missense change has been observed in individual(s) with retinitis pigmentosa and/or Usher syndrome (PMID: 17405132, 25910913, 28181551, 33576794). ClinVar contains an entry for this variant (Variation ID: 48385). Algorithms developed to predict the effect of missense changes on protein structure and function (SIFT, PolyPhen-2, Align-GVGD) all suggest that this variant is likely to be disruptive. In summary, the available evidence is currently insufficient to determine the role of this variant in disease. Therefore, it has been classified as a Variant of Uncertain Significance.

Genome-Nilou Lab
Classification: Uncertain significance for Retinitis pigmentosa 39. Last evaluated: 2021-07-22. Review status: criteria provided, single submitter. Criteria: ACMG Guidelines, 2015. Collection method: clinical testing. Allele origin: germline. Affected: no.

Genome-Nilou Lab
Classification: Uncertain significance for Usher syndrome type 2A. Last evaluated: 2021-05-18. Review status: criteria provided, single submitter. Criteria: ACMG Guidelines, 2015. Collection method: clinical testing. Allele origin: germline. Affected: no.

GeneDx
Classification: Likely benign. Last evaluated: 2020-10-29. Review status: criteria provided, single submitter. Criteria: GeneDx Variant Classification Process June 2021. Collection method: clinical testing. Allele origin: germline. Affected: yes.
Comment: This variant is associated with the following publications: (PMID: 28181551, 17405132, 25910913, 20052763, 30245029, 32579692, 33576794)

Mendelics
Classification: Benign for Usher syndrome type 2A. Last evaluated: 2019-05-28. Review status: criteria provided, single submitter. Criteria: Mendelics Assertion Criteria 2017. Collection method: clinical testing. Allele origin: unknown.

ARUP Laboratories, Molecular Genetics and Genomics, ARUP Laboratories
Classification: Uncertain significance. Last evaluated: 2019-05-10. Review status: criteria provided, single submitter. Criteria: ARUP Molecular Germline Variant Investigation Process. Collection method: clinical testing. Allele origin: germline.
Comment: The p.Thr3976Met variant (rs142381713) has been observed as part of a complex allele with a different variant, c.3811+3A>T, found in an individual with a clinical diagnosis of Usher syndrome type II (Baux 2007). In addition to this complex allele, the patient in Baux (2007) also carried a clearly pathogenic nonsense variant (p.Leu2301Ter) in trans. Subsequent in vitro analysis of the c.3811+3A>T variant indicated that it almost completely disrupts splicing, leading to skipping of exon 17 (Le Guedard-Mereuze 2010). The c.3811+3A>T variant is also absent from population databases such as 1000 Genomes, the NHLBI GO Exome Sequencing Project (ESP), and the Exome Aggregation Consortium (ExAC) browser. As a comparison, p.Thr3976Met is listed in the ESP with an allele frequency in European Americans of 0.14% (identified in 12 out of 8,600 chromosomes), and in the ExAC browser with an allele frequency in non-Finnish Europeans of 0.08% (identified in 56 out of 66,702 chromosomes). These observations argue that the c.3811+3A>T is pathogenic, and thus it is likely that the p.Thr3976Met variant is not. However, skipping of exon 17 retains the reading frame of USH2A mRNA, and the c.3811+3A>T variant has not been reported with any other pathogenic alleles. Moreover, the threonine at codon 3976 is highly conserved considering 10 species up to chicken (Alamut software v2.7.1), and computational analyses suggest the p.Thr3976Met variant has a significant effect on USH2A protein structure/function (SIFT: damaging, PolyPhen2: probably damaging, and Mutation Taster: disease causing). Therefore, with the uncertainty concerning the pathogenicity of the c.3811+3A>T variant, and the lack of other evidence suggesting the p.Thr3976Met variant is benign, the clinical significance of the p.Thr3976Met variant cannot be determined with certainty.

Laboratory for Molecular Medicine, Mass General Brigham Personalized Medicine
Classification: Likely benign. Last evaluated: 2016-05-05. Review status: criteria provided, single submitter. Criteria: LMM Criteria. Collection method: clinical testing. Allele origin: germline. Observed: 7 variant alleles.
Comment: p.Thr3976Met in exon 61 of USH2A: This variant is not expected to have clinical significance because it occurs in cis with a pathogenic variant in one individua l with Usher syndrome (Baux 2007, Le Guedard-Mereuze 2010). It has been identifi ed in 0.1% (56/66702) of European chromosomes by the Exome Aggregation Consortiu m (ExAC; dbSNP rs142381713).

Eurofins Ntd Llc (ga)
Classification: Uncertain significance. Last evaluated: 2015-10-28. Review status: criteria provided, single submitter. Criteria: EGL Classification Definitions 2015. Collection method: clinical testing. Allele origin: germline. Observed: 1 variant allele, 1 heterozygote.

Clinical Genetics DNA and cytogenetics Diagnostics Lab, Erasmus MC, Erasmus Medical Center
Classification: Uncertain significance. Review status: no assertion criteria provided. Collection method: clinical testing. Allele origin: germline. Affected: yes. Study: VKGL Data-share Consensus. Not counted in ClinVar's aggregate classification.

Clinical Genetics, Academic Medical Center
Classification: Uncertain significance. Review status: no assertion criteria provided. Collection method: clinical testing. Allele origin: germline. Affected: yes. Study: VKGL Data-share Consensus. Not counted in ClinVar's aggregate classification.

Literature cited by the submitters: PubMed 17405132 (cited by 4 submitters); PubMed 20052763 (cited by Mayo Clinic Laboratories, Mayo Clinic and Laboratory for Molecular Medicine, Mass General Brigham Personalized Medicine); PubMed 25910913 (cited by 3 submitters); PubMed 28181551 (cited by 3 submitters); PubMed 30245029 (cited by Mayo Clinic Laboratories, Mayo Clinic and Institute of Human Genetics, Univ. Regensburg, Univ. Regensburg); PubMed 32483926 (cited by Mayo Clinic Laboratories, Mayo Clinic and Institute of Human Genetics, Univ. Regensburg, Univ. Regensburg); PubMed 32579692 (cited by Mayo Clinic Laboratories, Mayo Clinic and Institute of Human Genetics, Univ. Regensburg, Univ. Regensburg); PubMed 33576794 (cited by 3 submitters); PubMed 36785559 (cited by Mayo Clinic Laboratories, Mayo Clinic and Institute of Human Genetics, Univ. Regensburg, Univ. Regensburg); PubMed 36819107 (cited by Mayo Clinic Laboratories, Mayo Clinic and Institute of Human Genetics, Univ. Regensburg, Univ. Regensburg); PubMed 37217489 (cited by Mayo Clinic Laboratories, Mayo Clinic); PubMed 37217689 (cited by Mayo Clinic Laboratories, Mayo Clinic); PubMed 38219857 (cited by Mayo Clinic Laboratories, Mayo Clinic); PubMed 38927702 (cited by Mayo Clinic Laboratories, Mayo Clinic).